The following is an entry in ClinVar:

ClinVar aggregate classification (germline): Pathogenic. Review status: criteria provided, multiple submitters, no conflicts (2 of 4 stars). 2 submissions from 2 submitters: Pathogenic (2). Last evaluated 2025-11-20.

Submissions (2):

Dasa
Classification: Pathogenic. Last evaluated: 2025-11-20. Review status: criteria provided, single submitter. Criteria: DASA Assertion Criteria. Collection method: clinical testing. Allele origin: germline.
Comment: NM_014319.5(LEMD3):c.2203C>T (p.Arg735*) introduces a premature termination codon predicted to result in loss of normal protein function. Loss-of-function is an established mechanism of disease for this gene. Segregation evidence has been reported in affected families. This variant has been recurrently observed in individuals with related phenotype (PMID: 20618940; PMID: 20678097). The variant is present at low frequency in population datasets. Based on the available data, this variant is classified as pathogenic.

Labcorp Genetics (formerly Invitae), Labcorp
Classification: Pathogenic. Last evaluated: 2024-10-29. Review status: criteria provided, single submitter. Criteria: Invitae Variant Classification Sherloc (09022015). Collection method: clinical testing. Allele origin: germline.
Comment: This sequence change creates a premature translational stop signal (p.Arg735*) in the LEMD3 gene. It is expected to result in an absent or disrupted protein product. Loss-of-function variants in LEMD3 are known to be pathogenic (PMID: 15489854, 19438932). This variant is not present in population databases (gnomAD no frequency). This premature translational stop signal has been observed in individual(s) with Buschke-Ollendorff syndrome or osteopoikilosis (PMID: 20618940, 20678097). It has also been observed to segregate with disease in related individuals. ClinVar contains an entry for this variant (Variation ID: 1068773). For these reasons, this variant has been classified as Pathogenic.

Literature cited by the submitters: PubMed 20618940 (cited by Dasa and Labcorp Genetics (formerly Invitae), Labcorp); PubMed 20678097 (cited by Dasa and Labcorp Genetics (formerly Invitae), Labcorp); PubMed 15489854 (cited by Labcorp Genetics (formerly Invitae), Labcorp); PubMed 19438932 (cited by Labcorp Genetics (formerly Invitae), Labcorp).

NM_014319.5(LEMD3):c.2203C>T (p.Arg735Ter)

Gene: LEMD3 (LEM domain containing 3; plus strand). Cytogenetic location: 12q14.3.
Variant type: single nucleotide variant.
Coding change: c.2203C>T on transcript NM_014319.5 (MANE Select); coding-DNA position 2203, C replaced by T.
Protein change: p.Arg735Ter; replaces arginine 735 with a stop codon.
Molecular consequence: nonsense.
Genome position (GRCh38, 1-based): chr12:65,240,985, C>T. VCF-style: chr12-65240985-C-T. GRCh37 (hg19) VCF-style: chr12-65634765-C-T.
Other names: c.2200C>T, p.Arg734Ter (NM_001167614.2); short protein forms R734*, R735*.
Identifiers: ClinVar variation 1068773 (VCV001068773.10), dbSNP rs1870918105, ClinGen allele CA385672874.